The following is an entry in ClinVar:

ClinVar aggregate classification (germline): Pathogenic (1 of 4 stars; one submission).

Conditions:
Hereditary cancer-predisposing syndrome. Also called: Hereditary Cancer Syndrome; Hereditary neoplastic syndrome; Tumor predisposition; Neoplastic Syndromes, Hereditary. Identifiers: Orphanet 140162, MedGen C0027672, MeSH D009386, MONDO:0015356.
Cardiovascular phenotype. Identifiers: MedGen CN230736.

Submission:

Ambry Genetics
Classification: Pathogenic for Cardiovascular phenotype; Hereditary cancer-predisposing syndrome. Last evaluated: 2024-10-01. Review status: criteria provided, single submitter. Criteria: Ambry Variant Classification Scheme 2023. Collection method: clinical testing. Allele origin: germline.
Comment: The c.1076delA pathogenic mutation, located in coding exon 10 of the LZTR1 gene, results from a deletion of one nucleotide at nucleotide position 1076, causing a translational frameshift with a predicted alternate stop codon (p.K359Rfs*102). This alteration is expected to result in loss of function by premature protein truncation or nonsense-mediated mRNA decay. Loss-of-function variants in LZTR1 are related to an increased risk for schwannomas and autosomal recessive Noonan syndrome; however, such associations with autosomal dominant Noonan syndrome have not been observed (Piotrowski A et al. Nat Genet. 2014 Feb;46:182-7; Yamamoto GL et al. J Med Genet. 2015 Jun;52:413-21; Johnston JJ et al. Genet Med. 2018 10;20:1175-1185). This variant is considered to be rare based on population cohorts in the Genome Aggregation Database (gnomAD). Based on the supporting evidence, this variant is pathogenic for an increased risk of LZTR1-related schwannomatosis (SWN) and would be expected to cause autosomal recessive Noonan syndrome when present along with a second pathogenic or likely pathogenic variant on the other allele; however, the association of this alteration with autosomal dominant Noonan syndrome is unlikely.

NM_006767.4(LZTR1):c.1076del (p.Lys359fs)

Gene: LZTR1 (leucine zipper like post translational regulator 1; plus strand). Cytogenetic location: 22q11.21.
Variant type: Deletion.
Coding change: c.1076del on transcript NM_006767.4 (MANE Select); coding-DNA position 1076, one base deleted (A; older notation c.1076delA).
Protein change: p.Lys359fs; shifts the reading frame from lysine 359.
Molecular consequence: frameshift variant.
Genome position (GRCh38, 1-based): chr22:20,992,296, A deleted; the last of 2 consecutive A bases (chr22:20,992,295-20,992,296); deleting either gives the same sequence. VCF-style (leftmost placement, unchanged base first): chr22-20992294-CA-C. GRCh37 (hg19) VCF-style: chr22-21346583-CA-C.
Other names: short protein forms K359fs.
Identifiers: ClinVar variation 3541625 (VCV003541625.1).
Genomic context (GRCh38, chr22:20,992,294, plus strand): 5'-CGAGCGAGCCTGTGCTTCCGAGGAGGTGCCCACCCTGACCTATGAGGAGCGGGTTGGCTT[CA>C]AGAAGTCCCGAGATGTGTTTGGCCTGGACTTTGGCACCACCTCAGCCAAGCAGCCCACCC-3'